The following is an entry in ClinVar:

ClinVar aggregate classification (germline): Conflicting classifications of pathogenicity. Review status: criteria provided, conflicting classifications (1 of 4 stars). 6 submissions from 6 submitters: Uncertain significance (5); Likely benign (1). Last evaluated 2025-01-23.

Conditions:
BLOC1S3-related disorder. Also called: BLOC1S3-related condition.
Inborn genetic diseases. Identifiers: MedGen C0950123, MeSH D030342.

Allele frequency attached by ClinVar (database versions not stated): gnomAD exomes 0.00005 and 0.00013; ExAC 0.00006; ESP Exome Variant Server 0.00008; gnomAD 0.00008 and 0.00009; TOPMed 0.00010; 1000 Genomes Project 30x 0.00016; 1000 Genomes Project 0.00020.

Submissions (6):

Labcorp Genetics (formerly Invitae), Labcorp
Classification: Uncertain significance. Last evaluated: 2025-01-23. Review status: criteria provided, single submitter. Criteria: Invitae Variant Classification Sherloc (09022015). Collection method: clinical testing. Allele origin: germline.
Comment: This sequence change replaces alanine, which is neutral and non-polar, with valine, which is neutral and non-polar, at codon 31 of the BLOC1S3 protein (p.Ala31Val). This variant is present in population databases (rs148910210, gnomAD 0.05%). This variant has not been reported in the literature in individuals affected with BLOC1S3-related conditions. ClinVar contains an entry for this variant (Variation ID: 178706). An algorithm developed to predict the effect of missense changes on protein structure and function outputs the following: PolyPhen-2: "Benign". The valine amino acid residue is found in multiple mammalian species, which suggests that this missense change does not adversely affect protein function. In summary, the available evidence is currently insufficient to determine the role of this variant in disease. Therefore, it has been classified as a Variant of Uncertain Significance.

Blueprint Genetics
Classification: Uncertain significance. Last evaluated: 2024-09-10. Review status: criteria provided, single submitter. Criteria: ACMG Guidelines, 2015. Collection method: clinical testing. Allele origin: germline.

PreventionGenetics, part of Exact Sciences
Classification: Uncertain significance for BLOC1S3-related condition. Last evaluated: 2023-08-15. Review status: criteria provided, single submitter. Criteria: ACMG Guidelines, 2015. Collection method: clinical testing. Allele origin: germline.
Comment: The BLOC1S3 c.92C>T variant is predicted to result in the amino acid substitution p.Ala31Val. To our knowledge, this variant has not been reported in the literature. This variant is reported in 0.050% of alleles in individuals of Latino descent in gnomAD. Although we suspect that this variant may be benign, at this time, the clinical significance of this variant is uncertain due to the absence of conclusive functional and genetic evidence.

Ambry Genetics
Classification: Likely benign for Inborn genetic diseases. Last evaluated: 2023-05-17. Review status: criteria provided, single submitter. Criteria: Ambry Variant Classification Scheme 2023. Collection method: clinical testing. Allele origin: germline.

Laboratory for Molecular Medicine, Mass General Brigham Personalized Medicine
Classification: Uncertain significance. Last evaluated: 2013-12-11. Review status: criteria provided, single submitter. Criteria: LMM Criteria. Collection method: clinical testing. Allele origin: germline. Observed: 1 variant allele.
Comment: Variant classified as Uncertain Significance - Favor Benign. The Ala31Val varian t in BLOC1S3 has not been previously reported in individuals with pulmonary dise ase, but has been identified in 1/8536 European American chromosomes by the NHLB I Exome Sequencing Project (dbSNP rs148910210 ). Alanine (Ala) at position 31 is not conserved in evolution with several mamma ls carrying the variant amino acid (valine, Val) at this position. This suggests that this change can be tolerated. Other computational analyses (biochemical am ino acid properties, AlignGVGD, PolyPhen2, and SIFT) also suggest that the Ala31 Val variant may not impact the protein. In summary, the data support that the Al a31Val variant may be benign but are insufficient to rule out a role in disease with confidence. Additional information is needed to fully assess its clinical s ignificance.

Breakthrough Genomics
Classification: Uncertain significance. Review status: criteria provided, single submitter. Criteria: ACMG Guidelines, 2015. Collection method: not provided. Allele origin: germline. Inheritance: Autosomal dominant inheritance. Affected: yes.

NM_212550.5(BLOC1S3):c.92C>T (p.Ala31Val)

Gene: BLOC1S3 (biogenesis of lysosomal organelles complex 1 subunit 3; plus strand). Cytogenetic location: 19q13.32.
Variant type: single nucleotide variant.
Coding change: c.92C>T on transcript NM_212550.5 (MANE Select); coding-DNA position 92, C replaced by T.
Protein change: p.Ala31Val; replaces alanine 31 with valine.
Molecular consequence: missense variant.
Genome position (GRCh38, 1-based): chr19:45,179,388, C>T. VCF-style: chr19-45179388-C-T. GRCh37 (hg19) VCF-style: chr19-45682646-C-T.
Other names: c.92C>T (NM_212550.4); short protein forms A31V.
Identifiers: ClinVar variation 178706 (VCV000178706.12), dbSNP rs148910210, ClinGen allele CA182824.
Genomic context (GRCh38, chr19:45,179,388, plus strand): 5'-TGCGGAGGCCGGAGACGGTGGTGCCGGGGGAGGCGACCGAGACGGATTCCGAGCGCTCTG[C>T]GTCCTCGTCGGAGGAGGAGGAGCTGTACCTGGGTCCTTCGGGCCCGACGCGCGGCCGCCC-3'
Protein context (NP_997715.1, residues 21-41): EATETDSERS[Ala31Val]SSSEEEELYL